The following is an entry in ClinVar:

ClinVar aggregate classification (germline): Pathogenic (1 of 4 stars; one submission).

Conditions:
Peroxisome biogenesis disorder 9B. Also called: PEX7-Related Refsum Disease; Refsum disease, adult, 2; PEROXISOME BIOGENESIS DISORDER, PEX7-RELATED, ATYPICAL. Identifiers: Orphanet 773, MedGen C2749346, MONDO:0013945, OMIM 614879.

Submission:

Labcorp Genetics (formerly Invitae), Labcorp
Classification: Pathogenic for Peroxisome biogenesis disorder 9B. Last evaluated: 2019-01-28. Review status: criteria provided, single submitter. Criteria: Invitae Variant Classification Sherloc (09022015). Collection method: clinical testing. Allele origin: germline.
Comment: For these reasons, this variant has been classified as Pathogenic. Loss-of-function variants in PEX7 are known to be pathogenic (PMID: 12325024, 20301447). This variant has not been reported in the literature in individuals with PEX7-related conditions. The frequency data for this variant in the population databases is considered unreliable, as metrics indicate insufficient coverage at this position in the ExAC database. This sequence change creates a premature translational stop signal (p.Phe24Serfs*39) in the PEX7 gene. It is expected to result in an absent or disrupted protein product.

Literature cited by the submitters: PubMed 12325024; PubMed 20301447.

NM_000288.4(PEX7):c.49_70dup (p.Phe24fs)

Gene: PEX7 (peroxisomal biogenesis factor 7; plus strand). Cytogenetic location: 6q23.3.
Variant type: Duplication.
Coding change: c.49_70dup on transcript NM_000288.4 (MANE Select); coding-DNA positions 49 to 70, 22 bases duplicated (CGCCACGGCTACGCCGCCGAGT).
Protein change: p.Phe24fs; shifts the reading frame from phenylalanine 24.
Molecular consequence: frameshift variant.
Genome position (GRCh38, 1-based): chr6:136,822,714-136,822,735, CGCCACGGCTACGCCGCCGAGT duplicated. VCF-style (leftmost placement, unchanged base first): chr6-136822713-A-ACGCCACGGCTACGCCGCCGAGT. GRCh37 (hg19) VCF-style: chr6-137143851-A-ACGCCACGGCTACGCCGCCGAGT.
Other names: short protein forms F24fs.
Identifiers: ClinVar variation 846733 (VCV000846733.7), dbSNP rs1774099032, ClinGen allele CA916082904.